The following is an entry in ClinVar:

ClinVar aggregate classification (germline): Uncertain significance (1 of 4 stars; one submission).

Submission:

Labcorp Genetics (formerly Invitae), Labcorp
Classification: Uncertain significance. Last evaluated: 2021-01-08. Review status: criteria provided, single submitter. Criteria: Invitae Variant Classification Sherloc (09022015). Collection method: clinical testing. Allele origin: germline.
Comment: This sequence change replaces alanine with valine at codon 1914 of the PCLO protein (p.Ala1914Val). The alanine residue is highly conserved and there is a small physicochemical difference between alanine and valine. This variant is not present in population databases (ExAC no frequency). This variant has not been reported in the literature in individuals with PCLO-related conditions. Algorithms developed to predict the effect of missense changes on protein structure and function are either unavailable or do not agree on the potential impact of this missense change (SIFT: "Deleterious"; PolyPhen-2: "Not Available"; Align-GVGD: "Class C0"). In summary, the available evidence is currently insufficient to determine the role of this variant in disease. Therefore, it has been classified as a Variant of Uncertain Significance.

NM_033026.6(PCLO):c.5741C>T (p.Ala1914Val)

Gene: PCLO (piccolo presynaptic cytomatrix protein; minus strand). Cytogenetic location: 7q21.11.
Variant type: single nucleotide variant.
Coding change: c.5741C>T on transcript NM_033026.6 (MANE Select); coding-DNA position 5741, C replaced by T.
Protein change: p.Ala1914Val; replaces alanine 1914 with valine.
Molecular consequence: missense variant.
Genome position (GRCh38, 1-based): chr7:82,955,212, G>A on the plus strand (C>T on the coding strand, the complement: PCLO is on the minus strand). VCF-style: chr7-82955212-G-A. GRCh37 (hg19) VCF-style: chr7-82584528-G-A.
Other names: c.5741C>T, p.Ala1914Val (NM_014510.3); short protein forms A1914V.
Identifiers: ClinVar variation 1363333 (VCV001363333.8), dbSNP rs2116450172, ClinGen allele CA367923355.
Genomic context (GRCh38, chr7:82,955,212, plus strand): 5'-GCAGCTGGAAAAGCTTTGTATTTGTGTGTTTTATGCATCATTTCTTCATACATCTCCTCA[G>A]CACTTTTTAACGCCTTTTGGCTACCTTCTTTCTGCATAATAGATTGCTCATCTGTTGGTG-3'
Protein context (NP_149015.2, residues 1904-1924): KEGSQKALKS[Ala1914Val]EEMYEEMMHK